The following is an entry in ClinVar:

NM_002968.3(SALL1):c.1837G>A (p.Glu613Lys)

Gene: SALL1 (spalt like transcription factor 1; minus strand). Cytogenetic location: 16q12.1.
Variant type: single nucleotide variant.
Coding change: c.1837G>A on transcript NM_002968.3 (MANE Select); coding-DNA position 1837, G replaced by A.
Protein change: p.Glu613Lys; replaces glutamic acid 613 with lysine.
Molecular consequence: missense variant.
Genome position (GRCh38, 1-based): chr16:51,140,385, C>T on the plus strand (G>A on the coding strand, the complement: SALL1 is on the minus strand). VCF-style: chr16-51140385-C-T. GRCh37 (hg19) VCF-style: chr16-51174296-C-T.
Other names: c.1546G>A, p.Glu516Lys (NM_001127892.2); short protein forms E516K, E613K.
Identifiers: ClinVar variation 3031680 (VCV003031680.2), dbSNP rs554062425, ClinGen allele CA8053220.

ClinVar aggregate classification (germline): Uncertain significance (0 of 4 stars; one submission).

Conditions:
SALL1-related disorder. Also called: SALL1-related condition.

Allele frequency attached by ClinVar (database versions not stated): 1000 Genomes Project 30x 0.00016; 1000 Genomes Project 0.00020.

Submission:

PreventionGenetics, part of Exact Sciences
Classification: Uncertain significance for SALL1-related condition. Last evaluated: 2023-11-02. Review status: no assertion criteria provided. Collection method: clinical testing. Allele origin: germline.
Comment: The SALL1 c.1837G>A variant is predicted to result in the amino acid substitution p.Glu613Lys. To our knowledge, this variant has not been reported in the literature. This variant is reported in 0.0063% of alleles in individuals of African descent in gnomAD. At this time, the clinical significance of this variant is uncertain due to the absence of conclusive functional and genetic evidence.